The following is an entry in ClinVar:

ClinVar aggregate classification (germline): Uncertain significance. Review status: criteria provided, multiple submitters, no conflicts (2 of 4 stars). 6 submissions from 6 submitters: Uncertain significance (6). Last evaluated 2026-01-06.

Conditions:
Inborn genetic diseases. Identifiers: MedGen C0950123, MeSH D030342.
LRTOMT-related disorder. Also called: LRTOMT-related condition.
Autosomal recessive nonsyndromic hearing loss 63. Identifiers: Orphanet 90636, MedGen C1969621, MONDO:0012670, OMIM 611451.

Allele frequency attached by ClinVar (database versions not stated): gnomAD exomes below 0.00001 and 0.00002; gnomAD 0.00002 and 0.00003; TOPMed 0.00003.
gnomAD v4.1: 12 of 1,550,634 alleles (0.00077%); highest among the groups gnomAD compares: Admixed American, 0.0039%; no homozygotes.

Submissions (6):

PreventionGenetics, part of Exact Sciences
Classification: Uncertain significance for LRTOMT-related condition. Last evaluated: 2026-01-06. Review status: criteria provided, single submitter. Criteria: ACMG Guidelines, 2015. Collection method: clinical testing. Allele origin: germline.
Comment: The LRTOMT c.780T>G variant is predicted to result in the amino acid substitution p.Cys260Trp. To our knowledge, this variant has not been reported in the literature. This variant is reported in 0.0041% of alleles in individuals of Latino descent in gnomAD. At this time, the clinical significance of this variant is uncertain due to the absence of conclusive functional and genetic evidence.

Ambry Genetics
Classification: Uncertain significance for Inborn genetic diseases. Last evaluated: 2025-12-02. Review status: criteria provided, single submitter. Criteria: Ambry Variant Classification Scheme 2023. Collection method: clinical testing. Allele origin: germline.

Blueprint Genetics
Classification: Uncertain significance. Last evaluated: 2023-09-06. Review status: criteria provided, single submitter. Criteria: ACMG Guidelines, 2015. Collection method: clinical testing. Allele origin: germline.

Labcorp Genetics (formerly Invitae), Labcorp
Classification: Uncertain significance. Last evaluated: 2022-04-12. Review status: criteria provided, single submitter. Criteria: Invitae Variant Classification Sherloc (09022015). Collection method: clinical testing. Allele origin: germline.
Comment: This sequence change replaces cysteine, which is neutral and slightly polar, with tryptophan, which is neutral and slightly polar, at codon 260 of the LRTOMT protein (p.Cys260Trp). This variant is present in population databases (no rsID available, gnomAD 0.004%). This variant has not been reported in the literature in individuals affected with LRTOMT-related conditions. ClinVar contains an entry for this variant (Variation ID: 305999). Algorithms developed to predict the effect of missense changes on protein structure and function are either unavailable or do not agree on the potential impact of this missense change (SIFT: "Deleterious"; PolyPhen-2: "Probably Damaging"; Align-GVGD: "Class C15"). In summary, the available evidence is currently insufficient to determine the role of this variant in disease. Therefore, it has been classified as a Variant of Uncertain Significance.

Illumina Laboratory Services, Illumina
Classification: Uncertain significance for Autosomal recessive nonsyndromic hearing loss 63. Last evaluated: 2018-01-13. Review status: criteria provided, single submitter. Criteria: ICSL Variant Classification Criteria 13 December 2019. Collection method: clinical testing. Allele origin: germline.

Laboratory for Molecular Medicine, Mass General Brigham Personalized Medicine
Classification: Uncertain significance. Last evaluated: 2016-08-02. Review status: criteria provided, single submitter. Criteria: LMM Criteria. Collection method: clinical testing. Allele origin: germline. Observed: 1 variant allele.
Comment: The p.Cys260Trp variant in LRTOMT has not been previously reported in individual s with hearing loss or in large population studies. Computational prediction too ls and conservation analyses do not provide strong support for or against an imp act to the protein. In summary, the clinical significance of the p.Cys260Trp var iant is uncertain.

NM_001145308.5(LRTOMT):c.780T>G (p.Cys260Trp)

Genes: ANAPC15 (anaphase promoting complex subunit 15; minus strand), LRTOMT (leucine rich transmembrane and O-methyltransferase domain containing; plus strand), TOMT (transmembrane O-methyltransferase; plus strand). Cytogenetic location: 11q13.4.
Variant type: single nucleotide variant.
Coding change: c.780T>G on transcript NM_001145308.5; coding-DNA position 780, T replaced by G.
Protein change: p.Cys260Trp; replaces cysteine 260 with tryptophan.
Molecular consequence: missense variant. On other transcripts: intron variant (7), non-coding transcript variant (1).
Genome position (GRCh38, 1-based): chr11:72,108,829, T>G. VCF-style: chr11-72108829-T-G. GRCh37 (hg19) VCF-style: chr11-71819875-T-G.
Other names: c.681T>G, p.Cys227Trp (NM_001393500.2); c.780T>G, p.Cys260Trp (NM_001145309.4); c.319-1224A>C (NM_001393431.1, NM_001393430.1, NM_001393429.1 and 3 more transcripts); c.660T>G, p.Cys220Trp (NM_001145310.4); c.365A>C, p.His122Pro (NM_001393443.1, NM_001393444.1, NM_001393445.1); c.64-1224A>C (NM_001393459.1); short protein forms C260W, C220W, C227W, H122P.
Identifiers: ClinVar variation 305999 (VCV000305999.15), dbSNP rs886048633, ClinGen allele CA10631497.
Genomic context (GRCh38, chr11:72,108,829, plus strand): 5'-GCTGGCTGACCATGTGCTCTTCCCTGGTGCACCCCGCTTCTTGCAGTATGCTAAGAGCTG[T>G]GGCCGCTACCGCTGCCGCCTCCACCACACTGGCCTTCCAGACTTCCCTGCCATCAAGGAT-3'